The following is an entry in ClinVar:

NM_016247.4(IMPG2):c.2396C>T (p.Ala799Val)

Gene: IMPG2 (interphotoreceptor matrix proteoglycan 2; minus strand). Cytogenetic location: 3q12.3.
Variant type: single nucleotide variant.
Coding change: c.2396C>T on transcript NM_016247.4 (MANE Select); coding-DNA position 2396, C replaced by T.
Protein change: p.Ala799Val; replaces alanine 799 with valine.
Molecular consequence: missense variant.
Genome position (GRCh38, 1-based): chr3:101,243,935, G>A on the plus strand (C>T on the coding strand, the complement: IMPG2 is on the minus strand). VCF-style: chr3-101243935-G-A. GRCh37 (hg19) VCF-style: chr3-100962779-G-A.
Other names: short protein forms A799V.
Identifiers: ClinVar variation 1713735 (VCV001713735.3), dbSNP rs1357999580, ClinGen allele CA353857509.

ClinVar aggregate classification (germline): Uncertain significance (1 of 4 stars; one submission).

Submission:

Labcorp Genetics (formerly Invitae), Labcorp
Classification: Uncertain significance. Last evaluated: 2022-07-25. Review status: criteria provided, single submitter. Criteria: Invitae Variant Classification Sherloc (09022015). Collection method: clinical testing. Allele origin: germline.
Comment: This sequence change replaces alanine, which is neutral and non-polar, with valine, which is neutral and non-polar, at codon 799 of the IMPG2 protein (p.Ala799Val). This variant is not present in population databases (gnomAD no frequency). This variant has not been reported in the literature in individuals affected with IMPG2-related conditions. Algorithms developed to predict the effect of missense changes on protein structure and function output the following: SIFT: "Tolerated"; PolyPhen-2: "Benign"; Align-GVGD: "Class C0". The valine amino acid residue is found in multiple mammalian species, which suggests that this missense change does not adversely affect protein function. Algorithms developed to predict the effect of sequence changes on RNA splicing suggest that this variant may create or strengthen a splice site. In summary, the available evidence is currently insufficient to determine the role of this variant in disease. Therefore, it has been classified as a Variant of Uncertain Significance.